The following is an entry in ClinVar:

ClinVar aggregate classification (germline): Likely pathogenic (1 of 4 stars; one submission).

Conditions:
Cortical dysplasia, complex, with other brain malformations 13. Also called: Intellectual disability, autosomal dominant 13. Identifiers: MedGen C3281202, MONDO:0013805, OMIM 614563.

Submission:

Laboratory of Human Genetics, Universidade de São Paulo
Classification: Likely pathogenic for Cortical dysplasia, complex, with other brain malformations 13. Last evaluated: 2022-05-13. Review status: criteria provided, single submitter. Criteria: ACMG Guidelines, 2015. Collection method: research. Allele origin: de novo. Affected: yes. Observed: 1 heterozygote.
Comment: This variant meets our criteria to be classified as likely pathogenic based upon segregation studies, absence from controls, and in-silico evaluation of pathogenicity.

NM_001376.5(DYNC1H1):c.9055G>A (p.Gly3019Ser)

Genes: DYNC1H1 (dynein cytoplasmic 1 heavy chain 1; plus strand), LOC126862060 (BRD4-independent group 4 enhancer GRCh37_chr14:102493659-102494858; plus strand). Cytogenetic location: 14q32.31.
Variant type: single nucleotide variant.
Coding change: c.9055G>A on transcript NM_001376.5 (MANE Select); coding-DNA position 9055, G replaced by A.
Protein change: p.Gly3019Ser; replaces glycine 3019 with serine.
Molecular consequence: missense variant.
Genome position (GRCh38, 1-based): chr14:102,027,625, G>A. VCF-style: chr14-102027625-G-A. GRCh37 (hg19) VCF-style: chr14-102493962-G-A.
Other names: short protein forms G3019S.
Identifiers: ClinVar variation 1697224 (VCV001697224.2), dbSNP rs2152589131, ClinGen allele CA391010982.
Genomic context (GRCh38, chr14:102,027,625, plus strand): 5'-GTTGCATTACGTGTTACCGGGGGACCAGTAAGTCAGCACTGTGCTGTTTCCCAGGTGCCT[G>A]GTCTCTTTGAAGGAGACGAGTATGCCACCTTGATGACGCAGTGCAAAGAGGGGGCACAGA-3'
Protein context (NP_001367.2, residues 3009-3029): NTLLANGEVP[Gly3019Ser]LFEGDEYATL